The following is an entry in ClinVar:

ClinVar aggregate classification (germline): Uncertain significance. Review status: criteria provided, multiple submitters, no conflicts (2 of 4 stars). 3 submissions from 3 submitters: Uncertain significance (2). 1 of the submissions does not count toward it. Last evaluated 2022-09-19.

Conditions:
PEX13-related disorder. Also called: PEX13-related condition; PEX13-related disorders.
Inborn genetic diseases. Identifiers: MedGen C0950123, MeSH D030342.
Peroxisome biogenesis disorder 11A (Zellweger). Also called: Peroxisome biogenesis disorder 11A. Identifiers: Orphanet 912, MedGen C3554000, MONDO:0013949, OMIM 614883.

Allele frequency attached by ClinVar (database versions not stated): gnomAD 0.00001; gnomAD exomes 0.00005 and 0.00009; ExAC 0.00012; 1000 Genomes Project 30x 0.00016.
gnomAD v4.1: 70 of 1,614,048 alleles (0.0043%); highest among the groups gnomAD compares: South Asian, 0.077%; no homozygotes.

Submissions (3):

Labcorp Genetics (formerly Invitae), Labcorp
Classification: Uncertain significance for Peroxisome biogenesis disorder 11A (Zellweger). Last evaluated: 2022-09-19. Review status: criteria provided, single submitter. Criteria: Invitae Variant Classification Sherloc (09022015). Collection method: clinical testing. Allele origin: germline.
Comment: This sequence change replaces threonine, which is neutral and polar, with asparagine, which is neutral and polar, at codon 38 of the PEX13 protein (p.Thr38Asn). This variant is present in population databases (rs763566050, gnomAD 0.07%). This variant has not been reported in the literature in individuals affected with PEX13-related conditions. ClinVar contains an entry for this variant (Variation ID: 1399247). Advanced modeling of protein sequence and biophysical properties (such as structural, functional, and spatial information, amino acid conservation, physicochemical variation, residue mobility, and thermodynamic stability) performed at Invitae indicates that this missense variant is not expected to disrupt PEX13 protein function. In summary, the available evidence is currently insufficient to determine the role of this variant in disease. Therefore, it has been classified as a Variant of Uncertain Significance.

Ambry Genetics
Classification: Uncertain significance for Inborn genetic diseases. Last evaluated: 2022-07-27. Review status: criteria provided, single submitter. Criteria: Ambry Variant Classification Scheme 2023. Collection method: clinical testing. Allele origin: germline.

PreventionGenetics, part of Exact Sciences
Classification: Uncertain significance for PEX13-related condition. Last evaluated: 2024-09-06. Review status: no assertion criteria provided. Collection method: clinical testing. Allele origin: germline. Not counted in ClinVar's aggregate classification.
Comment: The PEX13 c.113C>A variant is predicted to result in the amino acid substitution p.Thr38Asn. To our knowledge, this variant has not been reported in the literature. This variant is reported in 0.072% of alleles in individuals of South Asian descent in gnomAD. Although we suspect that this variant may be benign, at this time, the clinical significance of this variant is uncertain due to the absence of conclusive functional and genetic evidence.

NM_002618.4(PEX13):c.113C>A (p.Thr38Asn)

Gene: PEX13 (peroxisomal biogenesis factor 13; plus strand). Cytogenetic location: 2p15.
Variant type: single nucleotide variant.
Coding change: c.113C>A on transcript NM_002618.4 (MANE Select); coding-DNA position 113, C replaced by A.
Protein change: p.Thr38Asn; replaces threonine 38 with asparagine.
Molecular consequence: missense variant.
Genome position (GRCh38, 1-based): chr2:61,031,439, C>A. VCF-style: chr2-61031439-C-A. GRCh37 (hg19) VCF-style: chr2-61258574-C-A.
Other names: c.113C>A (NM_002618.3); short protein forms T38N.
Identifiers: ClinVar variation 1399247 (VCV001399247.7), dbSNP rs763566050, ClinGen allele CA1673236.